The following is an entry in ClinVar:

NM_002473.6(MYH9):c.20A>G (p.Asp7Gly)

Gene: MYH9 (myosin heavy chain 9; minus strand). Cytogenetic location: 22q12.3.
Variant type: single nucleotide variant.
Coding change: c.20A>G on transcript NM_002473.6 (MANE Select); coding-DNA position 20, A replaced by G.
Protein change: p.Asp7Gly; replaces aspartic acid 7 with glycine.
Molecular consequence: missense variant.
Genome position (GRCh38, 1-based): chr22:36,349,217, T>C on the plus strand (A>G on the coding strand, the complement: MYH9 is on the minus strand). VCF-style: chr22-36349217-T-C. GRCh37 (hg19) VCF-style: chr22-36745262-T-C.
Other names: short protein forms D7G.
Identifiers: ClinVar variation 3695989 (VCV003695989.2).

ClinVar aggregate classification (germline): Uncertain significance (1 of 4 stars; one submission).

gnomAD v4.1: 5 of 1,614,062 alleles (0.00031%); highest among the groups gnomAD compares: Non-Finnish European, 0.00034%; no homozygotes.

Submission:

Labcorp Genetics (formerly Invitae), Labcorp
Classification: Uncertain significance. Last evaluated: 2024-10-24. Review status: criteria provided, single submitter. Criteria: Invitae Variant Classification Sherloc (09022015). Collection method: clinical testing. Allele origin: germline.
Comment: This sequence change replaces aspartic acid, which is acidic and polar, with glycine, which is neutral and non-polar, at codon 7 of the MYH9 protein (p.Asp7Gly). This variant is not present in population databases (gnomAD no frequency). This variant has not been reported in the literature in individuals affected with MYH9-related conditions. Invitae Evidence Modeling of protein sequence and biophysical properties (such as structural, functional, and spatial information, amino acid conservation, physicochemical variation, residue mobility, and thermodynamic stability) indicates that this missense variant is not expected to disrupt MYH9 protein function with a negative predictive value of 95%. Algorithms developed to predict the effect of sequence changes on RNA splicing suggest that this variant may create or strengthen a splice site. In summary, the available evidence is currently insufficient to determine the role of this variant in disease. Therefore, it has been classified as a Variant of Uncertain Significance.